The following is an entry in ClinVar:

NM_006440.5(TXNRD2):c.211G>A (p.Val71Met)

Gene: TXNRD2 (thioredoxin reductase 2; minus strand). Cytogenetic location: 22q11.21.
Variant type: single nucleotide variant.
Coding change: c.211G>A on transcript NM_006440.5 (MANE Select); coding-DNA position 211, G replaced by A.
Protein change: p.Val71Met; replaces valine 71 with methionine.
Molecular consequence: missense variant. On other transcripts: 5 prime UTR variant (1).
Genome position (GRCh38, 1-based): chr22:19,919,561, C>T on the plus strand (G>A on the coding strand, the complement: TXNRD2 is on the minus strand). VCF-style: chr22-19919561-C-T. GRCh37 (hg19) VCF-style: chr22-19907084-C-T.
Other names: c.211G>A, p.Val71Met (NM_001282512.3); c.208G>A, p.Val70Met (NM_001352300.2); c.121G>A, p.Val41Met (NM_001352301.2); c.-78G>A (NM_001352302.2); c.115G>A, p.Val39Met (NM_001352303.2); short protein forms V71M, V39M, V70M, V41M.
Identifiers: ClinVar variation 2138928 (VCV002138928.6), dbSNP rs867369272, ClinGen allele CA322105648.
Genomic context (GRCh38, chr22:19,919,561, plus strand): 5'-CTCCTTCCCCAGGACACCCGGCTCCCATAGGGTGCTGCCTACCTTGGGGAGAAGGTTCCA[C>T]GTAGTCCACCACGGCCACCTTCCTTCCCAGCTGGGCGGCTGGAAGGATAAGGAGAGCAGC-3'
Protein context (NP_006431.2, residues 61-81): LGRKVAVVDY[Val71Met]EPSPQGTRWG

ClinVar aggregate classification (germline): Uncertain significance. Review status: criteria provided, multiple submitters, no conflicts (2 of 4 stars). 2 submissions from 2 submitters: Uncertain significance (2). Last evaluated 2025-11-06.

Conditions:
Cardiovascular phenotype. Identifiers: MedGen CN230736.
Primary dilated cardiomyopathy (DCM). Also called: Dilated Cardiomyopathy. Identifiers: Orphanet 217604, MedGen C0007193, MeSH D002311, MONDO:0005021, HP:0001644. Inheritance: Various modes of inheritance.

Allele frequency attached by ClinVar (database versions not stated): gnomAD exomes below 0.00001; TOPMed 0.00002; gnomAD 0.00003.
gnomAD v4.1: 10 of 1,563,088 alleles (0.00064%); highest among the groups gnomAD compares: Admixed American, 0.0096%; no homozygotes.

Submissions (2):

Ambry Genetics
Classification: Uncertain significance for Cardiovascular phenotype. Last evaluated: 2025-11-06. Review status: criteria provided, single submitter. Criteria: Ambry Variant Classification Scheme 2023. Collection method: clinical testing. Allele origin: germline.

Labcorp Genetics (formerly Invitae), Labcorp
Classification: Uncertain significance for Primary dilated cardiomyopathy. Last evaluated: 2025-03-19. Review status: criteria provided, single submitter. Criteria: Invitae Variant Classification Sherloc (09022015). Collection method: clinical testing. Allele origin: germline.
Comment: This sequence change replaces valine, which is neutral and non-polar, with methionine, which is neutral and non-polar, at codon 71 of the TXNRD2 protein (p.Val71Met). The frequency data for this variant in the population databases is considered unreliable, as metrics indicate poor data quality at this position in the gnomAD database. This variant has not been reported in the literature in individuals affected with TXNRD2-related conditions. ClinVar contains an entry for this variant (Variation ID: 2138928). An algorithm developed to predict the effect of missense changes on protein structure and function (PolyPhen-2) suggests that this variant is likely to be disruptive. In summary, the available evidence is currently insufficient to determine the role of this variant in disease. Therefore, it has been classified as a Variant of Uncertain Significance.